The following is an entry in ClinVar:

NM_018406.7(MUC4):c.10458C>T (p.Thr3486=)

Gene: MUC4 (mucin 4, cell surface associated). Cytogenetic location: 3q29.
Variant type: single nucleotide variant.
Coding change: c.10458C>T on transcript NM_018406.7 (MANE Select); coding-DNA position 10458, C replaced by T.
Protein change: p.Thr3486=; no amino-acid change (threonine 3486 retained).
Molecular consequence: synonymous variant. On other transcripts: intron variant (2).
Genome position (GRCh38, 1-based): chr3:195,781,122, G>A on the plus strand (C>T on the coding strand, the complement: MUC4 is on the minus strand). VCF-style: chr3-195781122-G-A. GRCh37 (hg19) VCF-style: chr3-195507993-G-A.
Other names: c.83-6817C>T (NM_138297.5); c.83-2667C>T (NM_004532.6).
Identifiers: ClinVar variation 3904928 (VCV003904928.10).

ClinVar aggregate classification (germline): Likely benign (1 of 4 stars; one submission).

gnomAD v4.1: 8,041 of 1,481,784 alleles (0.54%); highest among the groups gnomAD compares: Non-Finnish European, 0.64%; 29 homozygotes.

Submission:

CeGaT Center for Human Genetics Tuebingen
Classification: Likely benign. Last evaluated: 2025-10-01. Review status: criteria provided, single submitter. Criteria: CeGaT Center For Human Genetics Tuebingen Variant Classification Criteria Version 2. Collection method: clinical testing. Allele origin: germline. Affected: yes. Observed: 2 variant alleles.
Comment: MUC4: BP4, BS2